The following is an entry in ClinVar:

ClinVar aggregate classification (germline): Likely pathogenic (1 of 4 stars; one submission).

Conditions:
Ciliopathy. Also called: Ciliopathies. Identifiers: Orphanet 363250, MedGen C4277690, MONDO:0005308, MeSH D000072661.

Submission:

Myriad Genetics, Inc.
Classification: Likely pathogenic for Ciliopathy. Last evaluated: 2021-12-21. Review status: criteria provided, single submitter. Criteria: Myriad Autosomal Dominant, Autosomal Recessive and X-Linked Classification Criteria (2023). Collection method: clinical testing. Allele origin: unknown.
Comment: NM_017777.3(MKS1):c.992delA(Y331Sfs*6) is expected to be pathogenic in the context of MKS1-related disorders. This variant is predicted to lead to an abnormal or absent protein product due to the creation of a premature termination codon in MKS1, a gene where loss-of-function variants are known to be pathogenic. Please note: this variant was assessed in the context of healthy population screening.

NM_017777.4(MKS1):c.992del (p.Tyr331fs)

Gene: MKS1 (MKS transition zone complex subunit 1; minus strand). Cytogenetic location: 17q22.
Variant type: Deletion.
Coding change: c.992del on transcript NM_017777.4 (MANE Select); coding-DNA position 992, one base deleted (A; older notation c.992delA).
Protein change: p.Tyr331fs; shifts the reading frame from tyrosine 331.
Molecular consequence: frameshift variant.
Genome position (GRCh38, 1-based): chr17:58,210,691, T deleted on the plus strand (A on the coding strand, the reverse complement: MKS1 is on the minus strand). VCF-style (leftmost placement, unchanged base first): chr17-58210690-GT-G. GRCh37 (hg19) VCF-style: chr17-56288051-GT-G.
Other names: c.383del, p.Tyr128fs (NM_001321268.2); c.992del, p.Tyr331fs (NM_001321269.2, NM_001330397.2); c.992delA, p.Tyr331Serfs (NM_001411113.1); short protein forms Y128fs, Y331fs.
Identifiers: ClinVar variation 1726560 (VCV001726560.3), dbSNP rs2509426093, ClinGen allele CA2580094418.